The following is an entry in ClinVar:

ClinVar aggregate classification (germline): Uncertain significance (1 of 4 stars; one submission).

Conditions:
Hereditary cancer-predisposing syndrome. Also called: Neoplastic Syndromes, Hereditary; Hereditary Cancer Syndrome; Hereditary neoplastic syndrome; Tumor predisposition. Identifiers: Orphanet 140162, MedGen C0027672, MeSH D009386, MONDO:0015356.

Submission:

Ambry Genetics
Classification: Uncertain significance for Hereditary cancer-predisposing syndrome. Last evaluated: 2023-06-09. Review status: criteria provided, single submitter. Criteria: Ambry Variant Classification Scheme 2023. Collection method: clinical testing. Allele origin: germline.
Comment: The p.L852V variant (also known as c.2554C>G), located in coding exon 17 of the CTNNA1 gene, results from a C to G substitution at nucleotide position 2554. The leucine at codon 852 is replaced by valine, an amino acid with highly similar properties. This amino acid position is conserved. In addition, this alteration is predicted to be tolerated by in silico analysis. Since supporting evidence is limited at this time, the clinical significance of this alteration remains unclear.

NM_001903.5(CTNNA1):c.2554C>G (p.Leu852Val)

Gene: CTNNA1 (catenin alpha 1; plus strand). Cytogenetic location: 5q31.2.
Variant type: single nucleotide variant.
Coding change: c.2554C>G on transcript NM_001903.5 (MANE Select); coding-DNA position 2554, C replaced by G.
Protein change: p.Leu852Val; replaces leucine 852 with valine.
Molecular consequence: missense variant. On other transcripts: 3 prime UTR variant (5).
Genome position (GRCh38, 1-based): chr5:138,933,922, C>G. VCF-style: chr5-138933922-C-G. GRCh37 (hg19) VCF-style: chr5-138269611-C-G.
Other names: c.*99C>G (NM_001290307.3, NM_001324002.1, NM_001324003.1 and 2 more transcripts); c.2245C>G, p.Leu749Val (NM_001290309.3); c.2185C>G, p.Leu729Val (NM_001290310.3); c.1444C>G, p.Leu482Val (NM_001290312.1, NM_001323987.1, NM_001323988.1 and 12 more transcripts); c.2554C>G, p.Leu852Val (NM_001323982.2, NM_001323983.1, NM_001323984.2); c.2527C>G, p.Leu843Val (NM_001323985.2); c.2461C>G, p.Leu821Val (NM_001323986.2); c.1309C>G, p.Leu437Val (NM_001324001.1); and 3 more; short protein forms L729V, L369V, L821V, L843V, L401V, L451V, L482V, L749V.
Identifiers: ClinVar variation 2563291 (VCV002563291.2), dbSNP rs1580945247, ClinGen allele CA361135464.
Genomic context (GRCh38, chr5:138,933,922, plus strand): 5'-ACAGTGAAGGCATCCTACGTCGCCTCTACCAAATACCAAAAGTCACAGGGTATGGCTTCC[C>G]TCAACCTTCCTGCTGTGTCATGGAAGATGAAGGCACCAGAGAAAAAGCCATTGGTGAAGA-3'
Protein context (NP_001894.2, residues 842-862): KYQKSQGMAS[Leu852Val]NLPAVSWKMK